The following is an entry in ClinVar:

ClinVar aggregate classification (germline): Uncertain significance. Review status: criteria provided, multiple submitters, no conflicts (2 of 4 stars). 2 submissions from 2 submitters: Uncertain significance (2). Last evaluated 2024-01-12.

Conditions:
Werner syndrome (WRN). Identifiers: Orphanet 902, MedGen C0043119, MONDO:0010196, OMIM 277700.

Allele frequency attached by ClinVar (database versions not stated): gnomAD 0.00001.
gnomAD v4.1: 3 of 1,613,962 alleles (0.00019%); highest among the groups gnomAD compares: Non-Finnish European, 0.00025%; no homozygotes.

Submissions (2):

Fulgent Genetics
Classification: Uncertain significance for Werner syndrome. Last evaluated: 2024-01-12. Review status: criteria provided, single submitter. Criteria: ACMG Guidelines, 2015. Collection method: clinical testing. Allele origin: germline.

Labcorp Genetics (formerly Invitae), Labcorp
Classification: Uncertain significance for Werner syndrome. Last evaluated: 2023-05-22. Review status: criteria provided, single submitter. Criteria: Invitae Variant Classification Sherloc (09022015). Collection method: clinical testing. Allele origin: germline.
Comment: In summary, the available evidence is currently insufficient to determine the role of this variant in disease. Therefore, it has been classified as a Variant of Uncertain Significance. Algorithms developed to predict the effect of missense changes on protein structure and function output the following: SIFT: "Not Available"; PolyPhen-2: "Benign"; Align-GVGD: "Not Available". The valine amino acid residue is found in multiple mammalian species, which suggests that this missense change does not adversely affect protein function. ClinVar contains an entry for this variant (Variation ID: 2072490). This variant has not been reported in the literature in individuals affected with WRN-related conditions. This variant is not present in population databases (gnomAD no frequency). This sequence change replaces alanine, which is neutral and non-polar, with valine, which is neutral and non-polar, at codon 1213 of the WRN protein (p.Ala1213Val).

NM_000553.6(WRN):c.3638C>T (p.Ala1213Val)

Gene: WRN (WRN RecQ like helicase; plus strand). Cytogenetic location: 8p12.
Variant type: single nucleotide variant.
Coding change: c.3638C>T on transcript NM_000553.6 (MANE Select); coding-DNA position 3638, C replaced by T.
Protein change: p.Ala1213Val; replaces alanine 1213 with valine.
Molecular consequence: missense variant.
Genome position (GRCh38, 1-based): chr8:31,150,406, C>T. VCF-style: chr8-31150406-C-T. GRCh37 (hg19) VCF-style: chr8-31007922-C-T.
Other names: short protein forms A1213V.
Identifiers: ClinVar variation 2072490 (VCV002072490.5), dbSNP rs988365292, ClinGen allele CA174908123.